The following is an entry in ClinVar:

ClinVar aggregate classification (germline): Pathogenic (1 of 4 stars; one submission).

Conditions:
Neurofibromatosis, type 1 (NF1). Also called: NEUROFIBROMATOSIS, TYPE I, SOMATIC; VON RECKLINGHAUSEN DISEASE; Peripheral type neurofibromatosis; Neurofibromatosis, type I. Identifiers: Orphanet 636, MedGen C0027831, MONDO:0018975, OMIM 162200. Disease mechanism: loss of function.

Submission:

Labcorp Genetics (formerly Invitae), Labcorp
Classification: Pathogenic for Neurofibromatosis, type 1. Last evaluated: 2025-08-12. Review status: criteria provided, single submitter. Criteria: Invitae Variant Classification Sherloc (09022015). Collection method: clinical testing. Allele origin: germline.
Comment: This sequence change creates a premature translational stop signal (p.Phe2365*) in the NF1 gene. It is expected to result in an absent or disrupted protein product. Loss-of-function variants in NF1 are known to be pathogenic (PMID: 10712197, 23913538). This variant is not present in population databases (gnomAD no frequency). This variant has not been reported in the literature in individuals affected with NF1-related conditions. For these reasons, this variant has been classified as Pathogenic.

Literature cited by the submitters: PubMed 10712197; PubMed 23913538.

NM_001042492.3(NF1):c.7157_7158del (p.Asn2385_Phe2386insTer)

Gene: NF1 (neurofibromin 1; plus strand). Cytogenetic location: 17q11.2.
Variant type: Deletion.
Coding change: c.7157_7158del on transcript NM_001042492.3 (MANE Select); coding-DNA positions 7157 to 7158, 2 bases deleted (TT; older notation c.7157_7158delTT).
Protein change: p.Asn2385_Phe2386insTer.
Molecular consequence: nonsense.
Genome position (GRCh38, 1-based): chr17:31,343,103-31,343,104, TT deleted; deleting any 2 consecutive bases within chr17:31,343,102-31,343,104 gives the same sequence; the c. name uses the placement nearest the transcript's 3' end. VCF-style (leftmost placement, unchanged base first): chr17-31343101-CTT-C. GRCh37 (hg19) VCF-style: chr17-29670119-CTT-C.
Other names: c.7094_7095del, p.Asn2364_Phe2365insTer (NM_000267.4).
Identifiers: ClinVar variation 4725305 (VCV004725305.1).